The following is an entry in ClinVar:

NC_000001.10:g.(?_216061748)_(216074267_?)del

Gene: USH2A (usherin; minus strand). Cytogenetic location: 1q41.
Variant type: Deletion.
Identifiers: ClinVar variation 1369312 (VCV001369312.7).

ClinVar aggregate classification (germline): Pathogenic (1 of 4 stars; one submission).

Submission:

Labcorp Genetics (formerly Invitae), Labcorp
Classification: Pathogenic. Last evaluated: 2022-08-29. Review status: criteria provided, single submitter. Criteria: Invitae Variant Classification Sherloc (09022015). Collection method: clinical testing. Allele origin: germline.
Comment: For these reasons, this variant has been classified as Pathogenic. A similar copy number variant has been observed in individual(s) with clinical features of Usher syndrome (PMID: 29655801). This variant is a gross deletion of the genomic region encompassing exon(s) 39-41 of the USH2A gene. This deletion is out-of-frame, and is expected to create a premature termination codon and result in an absent or disrupted protein product. Loss-of-function variants in USH2A are known to be pathogenic (PMID: 10729113, 10909849, 20507924, 25649381).

Literature cited by the submitters: PubMed 29655801; PubMed 10729113; PubMed 10909849; PubMed 20507924; PubMed 25649381.